The following is an entry in ClinVar:

NC_000010.10:g.(?_12129514)_(12162887_?)dup

Gene: DHTKD1 (dehydrogenase E1 and transketolase domain containing 1; plus strand). Cytogenetic location: 10p14.
Variant type: Duplication.
Identifiers: ClinVar variation 1444774 (VCV001444774.6).

ClinVar aggregate classification (germline): Uncertain significance (1 of 4 stars; one submission).

Conditions:
2-aminoadipic 2-oxoadipic aciduria (AAKAD). Also called: Aminoadipic aciduria; ALPHA-AMINOADIPIC AND ALPHA-KETOADIPIC ACIDURIA. Identifiers: Orphanet 79154, MedGen C1859817, MONDO:0008774, OMIM 204750.

Submission:

Labcorp Genetics (formerly Invitae), Labcorp
Classification: Uncertain significance for 2-aminoadipic 2-oxoadipic aciduria. Last evaluated: 2023-11-22. Review status: criteria provided, single submitter. Criteria: Invitae Variant Classification Sherloc (09022015). Collection method: clinical testing. Allele origin: germline.
Comment: This variant results in a copy number gain of the genomic region encompassing exon(s) 4-17 of the DHTKD1 gene. This region includes the termination codon of the gene. This copy number gain extends beyond the assayed region for this gene and therefore may encompass additional genes. As the precise location of this event is unknown, it may be in tandem or it may be located elsewhere in the genome. This variant has not been reported in the literature in individuals affected with DHTKD1-related conditions. Experimental studies and prediction algorithms are not available or were not evaluated, and the functional significance of this variant is currently unknown. In summary, the available evidence is currently insufficient to determine the role of this variant in disease. Therefore, it has been classified as a Variant of Uncertain Significance.